The following is an entry in ClinVar:

NM_015466.4(PTPN23):c.954C>T (p.Phe318=)

Gene: PTPN23 (protein tyrosine phosphatase non-receptor type 23; plus strand). Cytogenetic location: 3p21.31.
Variant type: single nucleotide variant.
Coding change: c.954C>T on transcript NM_015466.4 (MANE Select); coding-DNA position 954, C replaced by T.
Protein change: p.Phe318=; no amino-acid change (phenylalanine 318 retained).
Molecular consequence: synonymous variant.
Genome position (GRCh38, 1-based): chr3:47,407,535, C>T. VCF-style: chr3-47407535-C-T. GRCh37 (hg19) VCF-style: chr3-47449025-C-T.
Other names: c.576C>T, p.Phe192= (NM_001304482.2).
Identifiers: ClinVar variation 1452815 (VCV001452815.42), dbSNP rs202080342, ClinGen allele CA2365583.

ClinVar aggregate classification (germline): Likely benign. Review status: criteria provided, multiple submitters, no conflicts (2 of 4 stars). 4 submissions from 4 submitters: Likely benign (4). Last evaluated 2026-07-01.

Allele frequency attached by ClinVar (database versions not stated): gnomAD exomes 0.00018 and 0.00014; gnomAD 0.00019; ExAC 0.00026; 1000 Genomes Project 30x 0.00031; 1000 Genomes Project 0.00040; ESP Exome Variant Server 0.00008; TOPMed 0.00015.
gnomAD v4.1: 233 of 1,614,084 alleles (0.014%); highest among the groups gnomAD compares: Non-Finnish European, 0.018%; 1 homozygote.

Submissions (4):

CeGaT Center for Human Genetics Tuebingen
Classification: Likely benign. Last evaluated: 2026-07-01. Review status: criteria provided, single submitter. Criteria: CeGaT Center For Human Genetics Tuebingen Variant Classification Criteria Version 2. Collection method: clinical testing. Allele origin: germline. Affected: yes. Observed: 8 variant alleles.
Comment: PTPN23: BP4, BP7

Labcorp Genetics (formerly Invitae), Labcorp
Classification: Likely benign. Last evaluated: 2025-12-15. Review status: criteria provided, single submitter. Criteria: Invitae Variant Classification Sherloc (09022015). Collection method: clinical testing. Allele origin: germline.

Blueprint Genetics
Classification: Likely benign. Last evaluated: 2024-10-04. Review status: criteria provided, single submitter. Criteria: ACMG Guidelines, 2015. Collection method: clinical testing. Allele origin: germline.

Breakthrough Genomics
Classification: Likely benign. Review status: criteria provided, single submitter. Criteria: ACMG Guidelines, 2015. Collection method: not provided. Allele origin: germline. Inheritance: Autosomal recessive inheritance. Affected: yes.